The following is an entry in ClinVar:

ClinVar aggregate classification (germline): Likely benign. Review status: criteria provided, multiple submitters, no conflicts (2 of 4 stars). 2 submissions from 2 submitters: Likely benign (2). Last evaluated 2024-05-14.

Conditions:
Malignant hyperthermia, susceptibility to, 1 (MHS1). Also called: Anesthesia related hyperthermia; Malignant hyperpyrexia; Fulminating hyperpyrexia; Pharmacogenic myopathy; Malignant hyperthermia suceptibility 1; RYR1-Related Malignant Hyperthermia Susceptibility. Identifiers: Orphanet 423, MedGen C2930980, MONDO:0007783, OMIM 145600.

Submissions (2):

All of Us Research Program, National Institutes of Health
Classification: Likely benign for Malignant hyperthermia, susceptibility to, 1. Last evaluated: 2024-05-14. Review status: criteria provided, single submitter. Criteria: ACMG Guidelines, 2015. Collection method: clinical testing. Allele origin: germline. Inheritance: Autosomal dominant inheritance. Observed: 1 variant allele, 1 heterozygote.
Comment: This study involves interpretation of variants in research participants for the purpose of population health screening. Participant phenotype was not available at the time of variant classification. Additional details can be found in publication PMID: 35346344, PMCID: PMC8962531

Color Diagnostics, LLC DBA Color Health
Classification: Likely benign for Malignant hyperthermia, susceptibility to, 1. Last evaluated: 2024-04-24. Review status: criteria provided, single submitter. Criteria: ACMG Guidelines, 2015. Collection method: clinical testing. Allele origin: germline.

NM_000540.3(RYR1):c.6636C>A (p.Val2212=)

Gene: RYR1 (ryanodine receptor 1; plus strand). Cytogenetic location: 19q13.2.
Variant type: single nucleotide variant.
Coding change: c.6636C>A on transcript NM_000540.3 (MANE Select); coding-DNA position 6636, C replaced by A.
Protein change: p.Val2212=; no amino-acid change (valine 2212 retained).
Molecular consequence: synonymous variant.
Genome position (GRCh38, 1-based): chr19:38,496,302, C>A. VCF-style: chr19-38496302-C-A. GRCh37 (hg19) VCF-style: chr19-38986942-C-A.
Other names: c.6636C>A, p.Val2212= (NM_001042723.2).
Identifiers: ClinVar variation 3385430 (VCV003385430.2).